The following is an entry in ClinVar:

ClinVar aggregate classification (germline): Uncertain significance (1 of 4 stars; one submission).

Conditions:
Chédiak-Higashi syndrome (CHS). Also called: Chediak-Higashi Syndrome. Identifiers: Orphanet 167, MedGen C0007965, MONDO:0008963, OMIM 214500.

Allele frequency attached by ClinVar (database versions not stated): ExAC 0.00001; gnomAD 0.00004; TOPMed 0.00005; ESP Exome Variant Server 0.00008.
gnomAD v4.1: 27 of 1,612,922 alleles (0.0017%); highest among the groups gnomAD compares: Non-Finnish European, 0.0019%; no homozygotes.

Submission:

Labcorp Genetics (formerly Invitae), Labcorp
Classification: Uncertain significance for Chédiak-Higashi syndrome. Last evaluated: 2021-08-27. Review status: criteria provided, single submitter. Criteria: Invitae Variant Classification Sherloc (09022015). Collection method: clinical testing. Allele origin: germline.
Comment: This sequence change replaces glutamine with glutamic acid at codon 1974 of the LYST protein (p.Gln1974Glu). The glutamine residue is highly conserved and there is a small physicochemical difference between glutamine and glutamic acid. This variant is present in population databases (rs369043065, ExAC 0.001%). This variant has not been reported in the literature in individuals affected with LYST-related conditions. Algorithms developed to predict the effect of missense changes on protein structure and function are either unavailable or do not agree on the potential impact of this missense change (SIFT: "Tolerated"; PolyPhen-2: "Probably Damaging"; Align-GVGD: "Class C0"). In summary, the available evidence is currently insufficient to determine the role of this variant in disease. Therefore, it has been classified as a Variant of Uncertain Significance.

NM_000081.4(LYST):c.5920C>G (p.Gln1974Glu)

Gene: LYST (lysosomal trafficking regulator; minus strand). Cytogenetic location: 1q42.3.
Variant type: single nucleotide variant.
Coding change: c.5920C>G on transcript NM_000081.4 (MANE Select); coding-DNA position 5920, C replaced by G.
Protein change: p.Gln1974Glu; replaces glutamine 1974 with glutamic acid.
Molecular consequence: missense variant.
Genome position (GRCh38, 1-based): chr1:235,770,162, G>C on the plus strand (C>G on the coding strand, the complement: LYST is on the minus strand). VCF-style: chr1-235770162-G-C. GRCh37 (hg19) VCF-style: chr1-235933462-G-C.
Other names: c.5920C>G, p.Gln1974Glu (NM_001301365.1); short protein forms Q1974E.
Identifiers: ClinVar variation 655200 (VCV000655200.8), dbSNP rs369043065, ClinGen allele CA1466507.
Genomic context (GRCh38, chr1:235,770,162, plus strand): 5'-TAGTATTATTAAACAACTGTGGAATATATTTCCAAAAGTAAAGTTACATGAAAAGTACCT[G>C]CAAAACCTGACAAGTCAGTAGAAAGTGATGAACCACTTGAGCTTTCAATAACTGCTTAAT-3'
Protein context (NP_000072.2, residues 1964-1984): HHFLLTCQVL[Gln1974Glu]EYKEGQLTPM